The following is an entry in ClinVar:

ClinVar aggregate classification (germline): Uncertain significance (1 of 4 stars; one submission).

Conditions:
Spinocerebellar ataxia 44. Identifiers: Orphanet 631095, MedGen C4521563, MONDO:0033479, OMIM 617691.

gnomAD v4.1: 1 of 1,613,836 alleles (0.000062%); highest among the groups gnomAD compares: Admixed American, 0.0017%; no homozygotes.

Submission:

Servicio de Genética Del Instituto Nacional de Salud Del Niño, Ministerio de Salud
Classification: Uncertain significance for Spinocerebellar ataxia 44. Last evaluated: 2024-11-18. Review status: criteria provided, single submitter. Criteria: ACMG Guidelines, 2015. Collection method: clinical testing. Allele origin: germline. Inheritance: Autosomal dominant inheritance.
Comment: The variant NM_001278064.2:c.1817T>C results in the substitution of valine with alanine at position 606 in the protein. Both valine and alanine are non-polar, hydrophobic amino acids, and this substitution may not drastically alter the protein's function or stability. The variant has been classified as PM2 (absence or very low frequency in population databases). Based on this evidence, the variant is classified as of uncertain significance (VUS).

NM_001278064.2(GRM1):c.1817T>C (p.Val606Ala)

Gene: GRM1 (glutamate metabotropic receptor 1; plus strand). Cytogenetic location: 6q24.3.
Variant type: single nucleotide variant.
Coding change: c.1817T>C on transcript NM_001278064.2 (MANE Select); coding-DNA position 1817, T replaced by C.
Protein change: p.Val606Ala; replaces valine 606 with alanine.
Molecular consequence: missense variant.
Genome position (GRCh38, 1-based): chr6:146,398,856, T>C. VCF-style: chr6-146398856-T-C. GRCh37 (hg19) VCF-style: chr6-146719992-T-C.
Other names: c.1817T>C, p.Val606Ala (NM_001278065.2, NM_001278066.1, NM_001278067.1); short protein forms V606A.
Identifiers: ClinVar variation 3381245 (VCV003381245.2).